The following is an entry in ClinVar:

NM_000104.4(CYP1B1):c.996G>A (p.Gln332=)

Gene: CYP1B1 (cytochrome P450 family 1 subfamily B member 1; minus strand). Cytogenetic location: 2p22.2.
Variant type: single nucleotide variant.
Coding change: c.996G>A on transcript NM_000104.4 (MANE Select); coding-DNA position 996, G replaced by A.
Protein change: p.Gln332=; no amino-acid change (glutamine 332 retained).
Molecular consequence: synonymous variant.
Genome position (GRCh38, 1-based): chr2:38,074,393, C>T on the plus strand (G>A on the coding strand, the complement: CYP1B1 is on the minus strand). VCF-style: chr2-38074393-C-T. GRCh37 (hg19) VCF-style: chr2-38301536-C-T.
Identifiers: ClinVar variation 3031547 (VCV003031547.2), dbSNP rs371549103, ClinGen allele CA1619906.
Genomic context (GRCh38, chr2:38,074,393, plus strand): 5'-CCAGAGGCTTTACCTGGTGAAGAGGAGGAGCAGCCACTGCAGCGCGGTGGACAGGGTGTC[C>T]TGGCTGGCGCCGAAGATGTCAGTGATAGTGGCCGGTACGTTCTCCAAATCCAGCCGCGCG-3'
Protein context (NP_000095.2, residues 322-342): ATITDIFGAS[Gln332=]DTLSTALQWL

ClinVar aggregate classification (germline): Likely benign (0 of 4 stars; one submission).

Conditions:
CYP1B1-related disorder. Also called: CYP1B1-Related Disorders. Identifiers: MedGen CN239260.

Allele frequency attached by ClinVar (database versions not stated): gnomAD exomes below 0.00001; ExAC 0.00001; ESP Exome Variant Server 0.00008.

Submission:

PreventionGenetics, part of Exact Sciences
Classification: Likely benign for CYP1B1-related condition. Last evaluated: 2021-03-19. Review status: no assertion criteria provided. Collection method: clinical testing. Allele origin: germline.
Comment: This variant is classified as likely benign based on ACMG/AMP sequence variant interpretation guidelines (Richards et al. 2015 PMID: 25741868, with internal and published modifications).